The following is an entry in ClinVar:

NM_000152.5(GAA):c.2460dup (p.Gly821fs)

Gene: GAA (alpha glucosidase; plus strand). Cytogenetic location: 17q25.3.
Variant type: Duplication.
Coding change: c.2460dup on transcript NM_000152.5 (MANE Select); coding-DNA position 2460, one base duplicated (T; older notation c.2460dupT).
Protein change: p.Gly821fs; shifts the reading frame from glycine 821.
Molecular consequence: frameshift variant.
Genome position (GRCh38, 1-based): chr17:80,117,728, T duplicated. VCF-style (leftmost placement, unchanged base first): chr17-80117727-C-CT. GRCh37 (hg19) VCF-style: chr17-78091526-C-CT.
Other names: c.2460dup, p.Gly821fs (NM_001079803.3, NM_001079804.3, NM_001406741.1 and 1 more transcripts); short protein forms G821fs.
Identifiers: ClinVar variation 4876537 (VCV004876537.1).

ClinVar aggregate classification (germline): Pathogenic (1 of 4 stars; one submission).

Conditions:
Glycogen storage disease, type II (IOPD). Also called: Pompe Disease; CARDIOMEGALIA GLYCOGENICA DIFFUSA; GLYCOGENOSIS, GENERALIZED, CARDIAC FORM; GSD II; POMPE DISEASE, INFANTILE-ONSET; GLYCOGEN STORAGE DISEASE II, INFANTILE-ONSET. Identifiers: Orphanet 365, MedGen C0017921, MONDO:0009290, OMIM 232300.

Submission:

Genomenon, Inc
Classification: Pathogenic for Glycogen storage disease, type II. Last evaluated: 2026-07-01. Review status: criteria provided, single submitter. Criteria: Genomenon Sequence Variant Interpretation Standards - Updated. Collection method: curation. Allele origin: germline. Affected: yes.
Comment: GAA p.Gly821TrpfsTer63 (c.2460dup) is a frameshift variant that is predicted to introduce a premature termination codon and result in a truncated or absent protein product. This variant has been observed in at least one proband with a GAA-related disorder (PMID:32382504). It is absent or not present at a significant frequency in gnomAD. In conclusion, we classify GAA p.Gly821TrpfsTer63 (c.2460dup) as a pathogenic variant.

Literature cited by the submitters: PubMed 32382504.